The following is an entry in ClinVar:

NM_001130009.3(GEN1):c.827A>G (p.Asn276Ser)

Gene: GEN1 (GEN1 structure-specific endonuclease; plus strand). Cytogenetic location: 2p24.2.
Variant type: single nucleotide variant.
Coding change: c.827A>G on transcript NM_001130009.3 (MANE Select); coding-DNA position 827, A replaced by G.
Protein change: p.Asn276Ser; replaces asparagine 276 with serine.
Molecular consequence: missense variant.
Genome position (GRCh38, 1-based): chr2:17,772,658, A>G. VCF-style: chr2-17772658-A-G. GRCh37 (hg19) VCF-style: chr2-17953925-A-G.
Other names: c.827A>G, p.Asn276Ser (NM_182625.5); short protein forms N276S.
Identifiers: ClinVar variation 1011361 (VCV001011361.10), dbSNP rs762442199, ClinGen allele CA1540579.

ClinVar aggregate classification (germline): Uncertain significance (1 of 4 stars; one submission).

Allele frequency attached by ClinVar (database versions not stated): gnomAD exomes below 0.00001; TOPMed below 0.00001; ExAC 0.00001.
gnomAD v4.1: 1 of 1,611,106 alleles (0.000062%); highest among the groups gnomAD compares: African/African-American, 0.0013%; no homozygotes.

Submission:

Labcorp Genetics (formerly Invitae), Labcorp
Classification: Uncertain significance. Last evaluated: 2022-03-08. Review status: criteria provided, single submitter. Criteria: Invitae Variant Classification Sherloc (09022015). Collection method: clinical testing. Allele origin: germline.
Comment: In summary, the available evidence is currently insufficient to determine the role of this variant in disease. Therefore, it has been classified as a Variant of Uncertain Significance. Algorithms developed to predict the effect of missense changes on protein structure and function (SIFT, PolyPhen-2, Align-GVGD) all suggest that this variant is likely to be tolerated. ClinVar contains an entry for this variant (Variation ID: 1011361). This variant has not been reported in the literature in individuals affected with GEN1-related conditions. This variant is present in population databases (rs762442199, gnomAD 0.007%). This sequence change replaces asparagine, which is neutral and polar, with serine, which is neutral and polar, at codon 276 of the GEN1 protein (p.Asn276Ser).